The following is an entry in ClinVar:

NM_000051.4(ATM):c.5719del (p.Arg1907fs)

Gene: ATM (ATM serine/threonine kinase; plus strand). Cytogenetic location: 11q22.3.
Variant type: Deletion.
Coding change: c.5719del on transcript NM_000051.4 (MANE Select); coding-DNA position 5719, one base deleted (A; older notation c.5719delA).
Protein change: p.Arg1907fs; shifts the reading frame from arginine 1907.
Molecular consequence: frameshift variant.
Genome position (GRCh38, 1-based): chr11:108,307,941, A deleted; the last of 3 consecutive A bases (chr11:108,307,939-108,307,941); deleting any one gives the same sequence. VCF-style (leftmost placement, unchanged base first): chr11-108307938-CA-C. GRCh37 (hg19) VCF-style: chr11-108178665-CA-C.
Other names: c.5719del, p.Arg1907fs (NM_001351834.2); short protein forms R1907fs.
Identifiers: ClinVar variation 4856780 (VCV004856780.1).

ClinVar aggregate classification (germline): Pathogenic (1 of 4 stars; one submission).

Conditions:
Familial cancer of breast. Also called: BREAST CANCER, FAMILIAL; Hereditary breast cancer; hereditary breast carcinoma. Identifiers: Orphanet 227535, MedGen C0346153, MONDO:0016419, OMIM 114480. Disease mechanism: loss of function.

Submission:

Myriad Genetics, Inc.
Classification: Pathogenic for Familial cancer of breast. Last evaluated: 2026-03-16. Review status: criteria provided, single submitter. Criteria: Myriad Autosomal Dominant, Autosomal Recessive and X-Linked Classification Criteria (2023). Collection method: clinical testing. Allele origin: unknown.
Comment: This variant is considered pathogenic. This variant creates a frameshift predicted to result in premature protein truncation.